The following is an entry in ClinVar:

ClinVar aggregate classification (germline): Uncertain significance (1 of 4 stars; one submission).

Submission:

GeneDx
Classification: Uncertain significance. Last evaluated: 2024-11-05. Review status: criteria provided, single submitter. Criteria: GeneDx Variant Classification Process June 2021. Collection method: clinical testing. Allele origin: germline. Affected: yes.
Comment: Canonical splice site variant in a gene or region of a gene for which loss of function is not a well-established mechanism of disease; Not observed at significant frequency in large population cohorts (gnomAD); Has not been previously published as pathogenic or benign to our knowledge

NM_006133.3(DAGLA):c.1514+1G>A

Gene: DAGLA (diacylglycerol lipase alpha; plus strand). Cytogenetic location: 11q12.2.
Variant type: single nucleotide variant.
Coding change: c.1514+1G>A on transcript NM_006133.3 (MANE Select); the canonical splice donor site of the intron after coding-DNA position 1514, G replaced by A.
Molecular consequence: splice donor variant.
Genome position (GRCh38, 1-based): chr11:61,737,325, G>A. VCF-style: chr11-61737325-G-A. GRCh37 (hg19) VCF-style: chr11-61504797-G-A.
Identifiers: ClinVar variation 3897148 (VCV003897148.1).